The following is an entry in ClinVar:

NM_014918.5(CHSY1):c.1689G>C (p.Gln563His)

Gene: CHSY1 (chondroitin sulfate synthase 1; minus strand). Cytogenetic location: 15q26.3.
Variant type: single nucleotide variant.
Coding change: c.1689G>C on transcript NM_014918.5 (MANE Select); coding-DNA position 1689, G replaced by C.
Protein change: p.Gln563His; replaces glutamine 563 with histidine.
Molecular consequence: missense variant.
Genome position (GRCh38, 1-based): chr15:101,178,108, C>G on the plus strand (G>C on the coding strand, the complement: CHSY1 is on the minus strand). VCF-style: chr15-101178108-C-G. GRCh37 (hg19) VCF-style: chr15-101718313-C-G.
Other names: short protein forms Q563H.
Identifiers: ClinVar variation 2172908 (VCV002172908.4), dbSNP rs761401345, ClinGen allele CA393958939.
Genomic context (GRCh38, chr15:101,178,108, plus strand): 5'-TTGTTTGGCCTTGTCAGGGTTGGAGTCAGAATTGAAAAGCAGAACCACGAGCTTGACGTT[C>G]TGATTGGGGATAAGACACGTCTTCTCAAAGTTTCCCATAAATCTCACAAACATGTCGAAA-3'
Protein context (NP_055733.2, residues 553-573): NFEKTCLIPN[Gln563His]NVKLVVLLFN

ClinVar aggregate classification (germline): Uncertain significance (1 of 4 stars; one submission).

Conditions:
Temtamy preaxial brachydactyly syndrome (TPBS). Identifiers: Orphanet 363417, MedGen C1854466, MONDO:0011533, OMIM 605282.

Submission:

Labcorp Genetics (formerly Invitae), Labcorp
Classification: Uncertain significance for Temtamy preaxial brachydactyly syndrome. Last evaluated: 2022-03-23. Review status: criteria provided, single submitter. Criteria: Invitae Variant Classification Sherloc (09022015). Collection method: clinical testing. Allele origin: germline.
Comment: In summary, the available evidence is currently insufficient to determine the role of this variant in disease. Therefore, it has been classified as a Variant of Uncertain Significance. Algorithms developed to predict the effect of missense changes on protein structure and function are either unavailable or do not agree on the potential impact of this missense change (SIFT: "Tolerated"; PolyPhen-2: "Probably Damaging"; Align-GVGD: "Class C0"). This variant has not been reported in the literature in individuals affected with CHSY1-related conditions. This variant is not present in population databases (gnomAD no frequency). This sequence change replaces glutamine, which is neutral and polar, with histidine, which is basic and polar, at codon 563 of the CHSY1 protein (p.Gln563His).